The following is an entry in ClinVar:

ClinVar aggregate classification (germline): Uncertain significance (1 of 4 stars; one submission).

Conditions:
Nemaline myopathy 2 (NEM2). Also called: Nemaline myopathy 2, autosomal recessive. Identifiers: MedGen C1850569, MONDO:0009725, OMIM 256030.

Allele frequency attached by ClinVar (database versions not stated): gnomAD exomes below 0.00001; gnomAD 0.00001; TOPMed 0.00001.
gnomAD v4.1: 7 of 1,613,748 alleles (0.00043%); highest among the groups gnomAD compares: Non-Finnish European, 0.00059%; no homozygotes.

Submission:

Labcorp Genetics (formerly Invitae), Labcorp
Classification: Uncertain significance for Nemaline myopathy 2. Last evaluated: 2020-06-27. Review status: criteria provided, single submitter. Criteria: Invitae Variant Classification Sherloc (09022015). Collection method: clinical testing. Allele origin: germline.
Comment: This sequence change replaces tyrosine with aspartic acid at codon 2890 of the NEB protein (p.Tyr2890Asp). The tyrosine residue is moderately conserved and there is a large physicochemical difference between tyrosine and aspartic acid. This variant is not present in population databases (ExAC no frequency). This variant has not been reported in the literature in individuals with NEB-related conditions. Algorithms developed to predict the effect of missense changes on protein structure and function are either unavailable or do not agree on the potential impact of this missense change (SIFT: "Deleterious"; PolyPhen-2: "Not Available"; Align-GVGD: "Class C0"). In summary, the available evidence is currently insufficient to determine the role of this variant in disease. Therefore, it has been classified as a Variant of Uncertain Significance.

NM_001164508.2(NEB):c.8668T>G (p.Tyr2890Asp)

Gene: NEB (nebulin; minus strand). Cytogenetic location: 2q23.3.
Variant type: single nucleotide variant.
Coding change: c.8668T>G on transcript NM_001164508.2 (MANE Select); coding-DNA position 8668, T replaced by G.
Protein change: p.Tyr2890Asp; replaces tyrosine 2890 with aspartic acid.
Molecular consequence: missense variant.
Genome position (GRCh38, 1-based): chr2:151,640,372, A>C on the plus strand (T>G on the coding strand, the complement: NEB is on the minus strand). VCF-style: chr2-151640372-A-C. GRCh37 (hg19) VCF-style: chr2-152496886-A-C.
Other names: c.8668T>G, p.Tyr2890Asp (NM_001164507.2, NM_001271208.2, NM_004543.5); short protein forms Y2890D.
Identifiers: ClinVar variation 2085403 (VCV002085403.1), dbSNP rs1480476721, ClinGen allele CA348809799.